The following is an entry in ClinVar:

NM_080473.5(GATA5):c.1025G>A (p.Ser342Asn)

Gene: GATA5 (GATA binding protein 5; minus strand). Cytogenetic location: 20q13.33.
Variant type: single nucleotide variant.
Coding change: c.1025G>A on transcript NM_080473.5 (MANE Select); coding-DNA position 1025, G replaced by A.
Protein change: p.Ser342Asn; replaces serine 342 with asparagine.
Molecular consequence: missense variant.
Genome position (GRCh38, 1-based): chr20:62,465,353, C>T on the plus strand (G>A on the coding strand, the complement: GATA5 is on the minus strand). VCF-style: chr20-62465353-C-T. GRCh37 (hg19) VCF-style: chr20-61040409-C-T.
Other names: short protein forms S342N.
Identifiers: ClinVar variation 2975904 (VCV002975904.3), dbSNP rs1555895947, ClinGen allele CA409552179.
Genomic context (GRCh38, chr20:62,465,353, plus strand): 5'-CACAGGGGCCCCAGCTCTGGGCACCCCACCCCAGCCCACCCCCTTACCTGGGGGGCCATG[C>T]TGGGCCCAGGGCACACTGGGGACGCCAGGCTGGGCTTGGCTTTCGAAGTGGCTGCTGAGC-3'
Protein context (NP_536721.1, residues 332-352): SLASPVCPGP[Ser342Asn]MAPQASGQED

ClinVar aggregate classification (germline): Uncertain significance (1 of 4 stars; one submission).

Allele frequency attached by ClinVar (database versions not stated): gnomAD exomes below 0.00001.

Submission:

Labcorp Genetics (formerly Invitae), Labcorp
Classification: Uncertain significance. Last evaluated: 2023-05-31. Review status: criteria provided, single submitter. Criteria: Invitae Variant Classification Sherloc (09022015). Collection method: clinical testing. Allele origin: germline.
Comment: In summary, the available evidence is currently insufficient to determine the role of this variant in disease. Therefore, it has been classified as a Variant of Uncertain Significance. Advanced modeling of protein sequence and biophysical properties (such as structural, functional, and spatial information, amino acid conservation, physicochemical variation, residue mobility, and thermodynamic stability) performed at Invitae indicates that this missense variant is not expected to disrupt GATA5 protein function. This variant has not been reported in the literature in individuals affected with GATA5-related conditions. This variant is not present in population databases (gnomAD no frequency). This sequence change replaces serine, which is neutral and polar, with asparagine, which is neutral and polar, at codon 342 of the GATA5 protein (p.Ser342Asn).